The following is an entry in ClinVar:

ClinVar aggregate classification (germline): Conflicting classifications of pathogenicity. Review status: criteria provided, conflicting classifications (1 of 4 stars). 6 submissions from 6 submitters: Uncertain significance (3); Likely benign (1). 2 of the submissions do not count toward it. Last evaluated 2025-07-19.

Conditions:
Proteinuria, chronic benign. Identifiers: MedGen C5394384, MONDO:0030042, OMIM 618884.
Imerslund-Grasbeck syndrome type 1 (IGS1). Also called: Megaloblastic anemia 1, Finnish type; MEGALOBLASTIC ANEMIA, 1; Imerslund-Gräsbeck syndrome 1. Identifiers: MedGen C4016819, MONDO:0100156, OMIM 261100.
Inborn genetic diseases. Identifiers: MedGen C0950123, MeSH D030342.
Imerslund-Grasbeck syndrome. Also called: PERNICIOUS ANEMIA, JUVENILE, DUE TO SELECTIVE INTESTINAL MALABSORPTION OF VITAMIN B12, WITH PROTEINURIA; Imerslund-Gräsbeck syndrome; ENTEROCYTE COBALAMIN MALABSORPTION; ENTEROCYTE INTRINSIC FACTOR RECEPTOR, DEFECT OF; Megaloblastic anemia due to inborn errors of metabolism. Identifiers: Orphanet 35858, MedGen C4551825, MONDO:0009853.

Allele frequency attached by ClinVar (database versions not stated): TOPMed 0.00009; gnomAD 0.00010 and 0.00011; ExAC 0.00013; gnomAD exomes 0.00012; ESP Exome Variant Server 0.00015.
gnomAD v4.1: 265 of 1,613,392 alleles (0.016%); highest among the groups gnomAD compares: South Asian, 0.023%; 1 homozygote.

Submissions (6):

GeneDx
Classification: Uncertain significance. Last evaluated: 2025-07-19. Review status: criteria provided, single submitter. Criteria: GeneDx Variant Classification Process June 2021. Collection method: clinical testing. Allele origin: germline. Affected: yes.
Comment: In silico analysis suggests that this missense variant does not alter protein structure/function; Has not been previously published as pathogenic or benign to our knowledge

Fulgent Genetics
Classification: Uncertain significance for Imerslund-Grasbeck syndrome type 1; Proteinuria, chronic benign. Last evaluated: 2024-04-18. Review status: criteria provided, single submitter. Criteria: ACMG Guidelines, 2015. Collection method: clinical testing. Allele origin: germline.

Ambry Genetics
Classification: Likely benign for Inborn genetic diseases. Last evaluated: 2022-12-28. Review status: criteria provided, single submitter. Criteria: Ambry Variant Classification Scheme 2023. Collection method: clinical testing. Allele origin: germline.

Labcorp Genetics (formerly Invitae), Labcorp
Classification: Uncertain significance for Imerslund-Grasbeck syndrome. Last evaluated: 2022-08-16. Review status: criteria provided, single submitter. Criteria: Invitae Variant Classification Sherloc (09022015). Collection method: clinical testing. Allele origin: germline.
Comment: This sequence change replaces arginine, which is basic and polar, with histidine, which is basic and polar, at codon 1249 of the CUBN protein (p.Arg1249His). This variant is present in population databases (rs151039810, gnomAD 0.02%). This variant has not been reported in the literature in individuals affected with CUBN-related conditions. ClinVar contains an entry for this variant (Variation ID: 1299828). Algorithms developed to predict the effect of missense changes on protein structure and function output the following: SIFT: "Tolerated"; PolyPhen-2: "Benign"; Align-GVGD: "Class C0". The histidine amino acid residue is found in multiple mammalian species, which suggests that this missense change does not adversely affect protein function. In summary, the available evidence is currently insufficient to determine the role of this variant in disease. Therefore, it has been classified as a Variant of Uncertain Significance.

Clinical Genetics DNA and cytogenetics Diagnostics Lab, Erasmus MC, Erasmus Medical Center
Classification: Likely benign. Review status: no assertion criteria provided. Collection method: clinical testing. Allele origin: germline. Affected: yes. Study: VKGL Data-share Consensus. Not counted in ClinVar's aggregate classification.

Genome Diagnostics Laboratory, University Medical Center Utrecht
Classification: Likely benign. Review status: no assertion criteria provided. Collection method: clinical testing. Allele origin: germline. Affected: yes. Study: VKGL Data-share Consensus. Not counted in ClinVar's aggregate classification.

NM_001081.4(CUBN):c.3746G>A (p.Arg1249His)

Gene: CUBN (cubilin; minus strand). Cytogenetic location: 10p13.
Variant type: single nucleotide variant.
Coding change: c.3746G>A on transcript NM_001081.4 (MANE Select); coding-DNA position 3746, G replaced by A.
Protein change: p.Arg1249His; replaces arginine 1249 with histidine.
Molecular consequence: missense variant.
Genome position (GRCh38, 1-based): chr10:17,043,910, C>T on the plus strand (G>A on the coding strand, the complement: CUBN is on the minus strand). VCF-style: chr10-17043910-C-T. GRCh37 (hg19) VCF-style: chr10-17085909-C-T.
Other names: short protein forms R1249H.
Identifiers: ClinVar variation 1299828 (VCV001299828.8), dbSNP rs151039810, ClinGen allele CA5424577.